The following is an entry in ClinVar:

ClinVar aggregate classification (germline): Uncertain significance (1 of 4 stars; one submission).

Submission:

CeGaT Center for Human Genetics Tuebingen
Classification: Uncertain significance. Last evaluated: 2024-03-01. Review status: criteria provided, single submitter. Criteria: CeGaT Center For Human Genetics Tuebingen Variant Classification Criteria Version 2. Collection method: clinical testing. Allele origin: germline. Affected: yes. Observed: 1 variant allele.
Comment: EPHA4: PM2

NM_004438.5(EPHA4):c.1186A>G (p.Thr396Ala)

Gene: EPHA4 (EPH receptor A4; minus strand). Cytogenetic location: 2q36.1.
Variant type: single nucleotide variant.
Coding change: c.1186A>G on transcript NM_004438.5 (MANE Select); coding-DNA position 1186, A replaced by G.
Protein change: p.Thr396Ala; replaces threonine 396 with alanine.
Molecular consequence: missense variant.
Genome position (GRCh38, 1-based): chr2:221,482,484, T>C on the plus strand (A>G on the coding strand, the complement: EPHA4 is on the minus strand). VCF-style: chr2-221482484-T-C. GRCh37 (hg19) VCF-style: chr2-222347204-T-C.
Other names: c.1186A>G, p.Thr396Ala (NM_001304536.2, NM_001363748.2); c.1033A>G, p.Thr345Ala (NM_001304537.2); short protein forms T345A, T396A.
Identifiers: ClinVar variation 3067653 (VCV003067653.21), dbSNP rs2469269500, ClinGen allele CA350408285.